The following is an entry in ClinVar:

ClinVar aggregate classification (germline): Uncertain significance. Review status: criteria provided, multiple submitters, no conflicts (2 of 4 stars). 2 submissions from 2 submitters: Uncertain significance (2). Last evaluated 2025-11-05.

Conditions:
Inborn genetic diseases. Identifiers: MedGen C0950123, MeSH D030342.
Congenital hyperammonemia, type I. Also called: Carbamoyl phosphate synthetase I deficiency disease; Carbamoyl-phosphate synthase I deficiency; CPS I DEFICIENCY; Carbamoyl phosphate synthetase 1 deficiency; Hyperammonemia due to carbamoyl phosphate synthetase 1 deficiency; CPS 1 deficiency. Identifiers: Orphanet 147, MedGen C4082171, MONDO:0009376, OMIM 237300.

Allele frequency attached by ClinVar (database versions not stated): gnomAD 0.00001; gnomAD exomes 0.00001 and 0.00002; ExAC 0.00002.
gnomAD v4.1: 20 of 1,609,128 alleles (0.0012%); highest among the groups gnomAD compares: South Asian, 0.0044%; no homozygotes.

Submissions (2):

Ambry Genetics
Classification: Uncertain significance for Inborn genetic diseases. Last evaluated: 2025-11-05. Review status: criteria provided, single submitter. Criteria: Ambry Variant Classification Scheme 2023. Collection method: clinical testing. Allele origin: germline.

Labcorp Genetics (formerly Invitae), Labcorp
Classification: Uncertain significance for Congenital hyperammonemia, type I. Last evaluated: 2021-12-02. Review status: criteria provided, single submitter. Criteria: Invitae Variant Classification Sherloc (09022015). Collection method: clinical testing. Allele origin: germline.
Comment: This sequence change replaces alanine, which is neutral and non-polar, with threonine, which is neutral and polar, at codon 1400 of the CPS1 protein (p.Ala1400Thr). This variant is present in population databases (rs779382562, gnomAD 0.006%). This variant has not been reported in the literature in individuals affected with CPS1-related conditions. Algorithms developed to predict the effect of missense changes on protein structure and function (SIFT, PolyPhen-2, Align-GVGD) all suggest that this variant is likely to be tolerated. In summary, the available evidence is currently insufficient to determine the role of this variant in disease. Therefore, it has been classified as a Variant of Uncertain Significance.

NM_001875.5(CPS1):c.4198G>A (p.Ala1400Thr)

Gene: CPS1 (carbamoyl-phosphate synthase 1; plus strand). Cytogenetic location: 2q34.
Variant type: single nucleotide variant.
Coding change: c.4198G>A on transcript NM_001875.5 (MANE Select); coding-DNA position 4198, G replaced by A.
Protein change: p.Ala1400Thr; replaces alanine 1400 with threonine.
Molecular consequence: missense variant. On other transcripts: non-coding transcript variant (2).
Genome position (GRCh38, 1-based): chr2:210,675,764, G>A. VCF-style: chr2-210675764-G-A. GRCh37 (hg19) VCF-style: chr2-211540488-G-A.
Other names: c.4198G>A (NM_001875.4); c.4198G>A, p.Ala1400Thr (NM_001122633.3, NM_001369257.1); c.4231G>A, p.Ala1411Thr (NM_001369256.1); short protein forms A1400T, A1411T.
Identifiers: ClinVar variation 1506527 (VCV001506527.6), dbSNP rs779382562, ClinGen allele CA2087224.